The following is an entry in ClinVar:

NM_052947.4(ALPK2):c.4746T>G (p.Phe1582Leu)

Genes: ALPK2 (alpha kinase 2; minus strand), LOC126862764 (BRD4-independent group 4 enhancer GRCh37_chr18:56202574-56203773; plus strand). Cytogenetic location: 18q21.31.
Variant type: single nucleotide variant.
Coding change: c.4746T>G on transcript NM_052947.4 (MANE Select); coding-DNA position 4746, T replaced by G.
Protein change: p.Phe1582Leu; replaces phenylalanine 1582 with leucine.
Molecular consequence: missense variant.
Genome position (GRCh38, 1-based): chr18:58,535,441, A>C on the plus strand (T>G on the coding strand, the complement: ALPK2 is on the minus strand). VCF-style: chr18-58535441-A-C. GRCh37 (hg19) VCF-style: chr18-56202673-A-C.
Other names: short protein forms F1582L.
Identifiers: ClinVar variation 3289117 (VCV003289117.1).
Genomic context (GRCh38, chr18:58,535,441, plus strand): 5'-AGAAGAGGGCAAAGGTTTCCCACGCTCATTCTCAATAGTTCCCCTTTTCTGTGAAACAGG[A>C]AACACATACTGACGCTTTCTGGGCTCAACTATGTCATTTTCAGGGACGTCATGAATTTGG-3'
Protein context (NP_443179.3, residues 1572-1592): IVEPRKRQYV[Phe1582Leu]PVSQKRGTIE

ClinVar aggregate classification (germline): Uncertain significance (1 of 4 stars; one submission).

gnomAD v4.1: 3 of 1,614,210 alleles (0.00019%); highest among the groups gnomAD compares: Non-Finnish European, 0.00025%; no homozygotes.

Submission:

Ambry Genetics
Classification: Uncertain significance. Last evaluated: 2024-05-31. Review status: criteria provided, single submitter. Criteria: Ambry Variant Classification Scheme 2023. Collection method: clinical testing. Allele origin: germline.
Comment: The p.F1582L variant (also known as c.4746T>G), located in coding exon 4 of the ALPK2 gene, results from a T to G substitution at nucleotide position 4746. The phenylalanine at codon 1582 is replaced by leucine, an amino acid with highly similar properties. This amino acid position is conserved. In addition, this alteration is predicted to be tolerated by in silico analysis. Based on the available evidence, the clinical significance of this variant remains unclear.